The following is an entry in ClinVar:

NC_000016.9:g.(?_10971188)_(11650586_?)del

Genes: CIITA (class II major histocompatibility complex transactivator; plus strand), CLEC16A (C-type lectin domain containing 16A; plus strand), DEXI (Dexi homolog; minus strand), LITAF (lipopolysaccharide induced TNF factor; minus strand), PRM1 (protamine 1; minus strand) and 5 more. Cytogenetic location: 16p13.13.
Variant type: Deletion.
Identifiers: ClinVar variation 3243332 (VCV003243332.1).

ClinVar aggregate classification (germline): Pathogenic (1 of 4 stars; one submission).

Conditions:
MHC class II deficiency. Also called: Bare lymphocyte syndrome 2; BLS, TYPE II. Identifiers: Orphanet 572, MedGen C5447452, MONDO:0008855.

Submission:

Labcorp Genetics (formerly Invitae), Labcorp
Classification: Pathogenic for MHC class II deficiency. Last evaluated: 2023-12-09. Review status: criteria provided, single submitter. Criteria: Invitae Variant Classification Sherloc (09022015). Collection method: clinical testing. Allele origin: unknown.
Comment: A gross deletion of the genomic region encompassing the full coding sequence of the CIITA gene has been identified. Loss-of-function variants in CIITA are known to be pathogenic (PMID: 8402893, 9099848, 26271388). The boundaries of this event are unknown as they extend beyond the assayed region for this gene and therefore may encompass additional genes. A similar copy number variant has been observed in individual(s) with MHC class II deficiency (PMID: 27484032). For these reasons, this variant has been classified as Pathogenic.

Literature cited by the submitters: PubMed 8402893; PubMed 9099848; PubMed 26271388; PubMed 27484032.